The following is an entry in ClinVar:

ClinVar aggregate classification (germline): Uncertain significance. Review status: criteria provided, multiple submitters, no conflicts (2 of 4 stars). 3 submissions from 3 submitters: Uncertain significance (3). Last evaluated 2024-09-04.

Conditions:
MEGF8-related Carpenter syndrome. Also called: Carpenter syndrome 2. Identifiers: Orphanet 65759, MedGen C3554247, MONDO:0013998, OMIM 614976.
Inborn genetic diseases. Identifiers: MedGen C0950123, MeSH D030342.

Allele frequency attached by ClinVar (database versions not stated): gnomAD exomes 0.00003 and 0.00008; ESP Exome Variant Server 0.00008; ExAC 0.00010; 1000 Genomes Project 0.00020; gnomAD 0.00022 and 0.00025; 1000 Genomes Project 30x 0.00031; TOPMed 0.00032.

Submissions (3):

Ambry Genetics
Classification: Uncertain significance for Inborn genetic diseases. Last evaluated: 2024-09-04. Review status: criteria provided, single submitter. Criteria: Ambry Variant Classification Scheme 2023. Collection method: clinical testing. Allele origin: germline.

GeneDx
Classification: Uncertain significance. Last evaluated: 2024-03-29. Review status: criteria provided, single submitter. Criteria: GeneDx Variant Classification Process June 2021. Collection method: clinical testing. Allele origin: germline. Affected: yes.
Comment: In silico analysis supports that this missense variant does not alter protein structure/function; Has not been previously published as pathogenic or benign to our knowledge

Labcorp Genetics (formerly Invitae), Labcorp
Classification: Uncertain significance for MEGF8-related Carpenter syndrome. Last evaluated: 2022-08-16. Review status: criteria provided, single submitter. Criteria: Invitae Variant Classification Sherloc (09022015). Collection method: clinical testing. Allele origin: germline.
Comment: This sequence change replaces serine, which is neutral and polar, with leucine, which is neutral and non-polar, at codon 1076 of the MEGF8 protein (p.Ser1076Leu). This variant is present in population databases (rs368693886, gnomAD 0.07%). This variant has not been reported in the literature in individuals affected with MEGF8-related conditions. ClinVar contains an entry for this variant (Variation ID: 1024296). Algorithms developed to predict the effect of missense changes on protein structure and function are either unavailable or do not agree on the potential impact of this missense change (SIFT: "Deleterious"; PolyPhen-2: "Probably Damaging"; Align-GVGD: "Class C0"). In summary, the available evidence is currently insufficient to determine the role of this variant in disease. Therefore, it has been classified as a Variant of Uncertain Significance.

NM_001271938.2(MEGF8):c.3428C>T (p.Ser1143Leu)

Gene: MEGF8 (multiple EGF like domains 8; plus strand). Cytogenetic location: 19q13.2.
Variant type: single nucleotide variant.
Coding change: c.3428C>T on transcript NM_001271938.2 (MANE Select); coding-DNA position 3428, C replaced by T.
Protein change: p.Ser1143Leu; replaces serine 1143 with leucine.
Molecular consequence: missense variant.
Genome position (GRCh38, 1-based): chr19:42,353,005, C>T. VCF-style: chr19-42353005-C-T. GRCh37 (hg19) VCF-style: chr19-42857157-C-T.
Other names: c.3227C>T, p.Ser1076Leu (NM_001410.3); c.3227C>T (NM_001410.2); short protein forms S1076L, S1143L.
Identifiers: ClinVar variation 1024296 (VCV001024296.9), dbSNP rs368693886, ClinGen allele CA9474995.
Genomic context (GRCh38, chr19:42,353,005, plus strand): 5'-GCCATGGTGTGTGCAGTGGCCCCCCGGACTTTACCTGCGTGTGTGACCTAGGCTGGACAT[C>T]AGACCTGCCCCCTCCCACACCCGCCCCGGGTCCGCCAGCCCCCCGCTGCTCCCGGGACTG-3'
Protein context (NP_001258867.1, residues 1133-1153): FTCVCDLGWT[Ser1143Leu]DLPPPTPAPG